The following is an entry in ClinVar:

ClinVar aggregate classification (germline): Pathogenic (1 of 4 stars; one submission).

Conditions:
KBG syndrome (KBGS). Also called: ANKRD11-Related KBG Syndrome. Identifiers: Orphanet 2332, MedGen C0220687, MONDO:0007846, OMIM 148050.

Submission:

3billion
Classification: Pathogenic for KBG syndrome. Last evaluated: 2021-10-02. Review status: criteria provided, single submitter. Criteria: ACMG Guidelines, 2015. Collection method: clinical testing. Allele origin: germline. Affected: yes. Observed: 1 heterozygote.
Comment: Canonical splice site: predicted to alter splicing and result in a loss or disruption of normal protein function through nonsense-mediated decay (NMD) or protein truncation. Multiple pathogenic variants are reported downstream of the variant (PVS1_VS). It is not observed in the gnomAD v2.1.1 dataset (PM2). The variant was observed as assumed (i.e. paternity and maternity not confirmed) de novoo (3billion dataset, PM6). Therefore, this variant is classified as likely pathogenic according to the recommendation of ACMG/AMP guideline.

NM_013275.6(ANKRD11):c.226+1G>A

Gene: ANKRD11 (ankyrin repeat domain 11; minus strand). Cytogenetic location: 16q24.3.
Variant type: single nucleotide variant.
Coding change: c.226+1G>A on transcript NM_013275.6 (MANE Select); the canonical splice donor site of the intron after coding-DNA position 226, G replaced by A.
Molecular consequence: splice donor variant.
Genome position (GRCh38, 1-based): chr16:89,305,205, C>T on the plus strand (G>A on the coding strand, the complement: ANKRD11 is on the minus strand). VCF-style: chr16-89305205-C-T. GRCh37 (hg19) VCF-style: chr16-89371613-C-T.
Other names: c.226+1G>A (NM_001256183.2, NM_001256182.2).
Identifiers: ClinVar variation 1320207 (VCV001320207.1), dbSNP rs2151869895, ClinGen allele CA397163849.
Genomic context (GRCh38, chr16:89,305,205, plus strand): 5'-GCCTGGGCTGCTCCGGGCTGCCTGTGGAGGGCTGACTGCAGGAGGGGCCGCGGGCTGGTA[C>T]CTGTGTCCGAGTCCTTCTGCTCCCCATTGGCGCCCGCGGTGAAGGGCAGCTTCCGCTTGC-3'